The following is an entry in ClinVar:

NM_021020.5(LZTS1):c.1636C>A (p.Leu546Met)

Gene: LZTS1 (leucine zipper tumor suppressor 1; minus strand). Cytogenetic location: 8p21.3.
Variant type: single nucleotide variant.
Coding change: c.1636C>A on transcript NM_021020.5 (MANE Select); coding-DNA position 1636, C replaced by A.
Protein change: p.Leu546Met; replaces leucine 546 with methionine.
Molecular consequence: missense variant.
Genome position (GRCh38, 1-based): chr8:20,249,877, G>T on the plus strand (C>A on the coding strand, the complement: LZTS1 is on the minus strand). VCF-style: chr8-20249877-G-T. GRCh37 (hg19) VCF-style: chr8-20107388-G-T.
Other names: c.1636C>A, p.Leu546Met (NM_001362884.2); short protein forms L546M.
Identifiers: ClinVar variation 3627365 (VCV003627365.2).

ClinVar aggregate classification (germline): Uncertain significance (1 of 4 stars; one submission).

Submission:

Labcorp Genetics (formerly Invitae), Labcorp
Classification: Uncertain significance. Last evaluated: 2024-04-14. Review status: criteria provided, single submitter. Criteria: Invitae Variant Classification Sherloc (09022015). Collection method: clinical testing. Allele origin: germline.
Comment: This sequence change replaces leucine, which is neutral and non-polar, with methionine, which is neutral and non-polar, at codon 546 of the LZTS1 protein (p.Leu546Met). This variant is not present in population databases (gnomAD no frequency). This variant has not been reported in the literature in individuals affected with LZTS1-related conditions. Advanced modeling of protein sequence and biophysical properties (such as structural, functional, and spatial information, amino acid conservation, physicochemical variation, residue mobility, and thermodynamic stability) performed at Invitae indicates that this missense variant is expected to disrupt LZTS1 protein function with a positive predictive value of 80%. In summary, the available evidence is currently insufficient to determine the role of this variant in disease. Therefore, it has been classified as a Variant of Uncertain Significance.